The following is an entry in ClinVar:

ClinVar aggregate classification (germline): Uncertain significance (1 of 4 stars; one submission).

Conditions:
Tuberous sclerosis 2 (TSC2). Identifiers: Orphanet 805, MedGen C1860707, MONDO:0013199, OMIM 613254.

Submission:

Labcorp Genetics (formerly Invitae), Labcorp
Classification: Uncertain significance for Tuberous sclerosis 2. Last evaluated: 2023-04-11. Review status: criteria provided, single submitter. Criteria: Invitae Variant Classification Sherloc (09022015). Collection method: clinical testing. Allele origin: germline.
Comment: This variant has not been reported in the literature in individuals affected with TSC2-related conditions. In summary, the available evidence is currently insufficient to determine the role of this variant in disease. Therefore, it has been classified as a Variant of Uncertain Significance. Advanced modeling of protein sequence and biophysical properties (such as structural, functional, and spatial information, amino acid conservation, physicochemical variation, residue mobility, and thermodynamic stability) performed at Invitae indicates that this missense variant is not expected to disrupt TSC2 protein function. This variant is not present in population databases (gnomAD no frequency). This sequence change replaces alanine, which is neutral and non-polar, with serine, which is neutral and polar, at codon 1323 of the TSC2 protein (p.Ala1323Ser).

NM_000548.5(TSC2):c.3967G>T (p.Ala1323Ser)

Gene: TSC2 (TSC complex subunit 2; plus strand). Cytogenetic location: 16p13.3.
Variant type: single nucleotide variant.
Coding change: c.3967G>T on transcript NM_000548.5 (MANE Select); coding-DNA position 3967, G replaced by T.
Protein change: p.Ala1323Ser; replaces alanine 1323 with serine.
Molecular consequence: missense variant. On other transcripts: non-coding transcript variant (5).
Genome position (GRCh38, 1-based): chr16:2,083,778, G>T. VCF-style: chr16-2083778-G-T. GRCh37 (hg19) VCF-style: chr16-2133779-G-T.
Other names: c.3766G>T, p.Ala1256Ser (NM_001077183.3); c.3898G>T, p.Ala1300Ser (NM_001114382.3); c.3658G>T, p.Ala1220Ser (NM_001318827.2); c.3622G>T, p.Ala1208Ser (NM_001318829.2); c.3235G>T, p.Ala1079Ser (NM_001318831.2); c.3799G>T, p.Ala1267Ser (NM_001318832.2); c.3769G>T, p.Ala1257Ser (NM_001363528.2); c.3835G>T, p.Ala1279Ser (NM_001370404.1); and 26 more; short protein forms A1056S, A1079S, A1208S, A1219S, A1251S, A1279S, A1297S, A1300S.
Identifiers: ClinVar variation 2855026 (VCV002855026.3), dbSNP rs1248093496, ClinGen allele CA394297512.